The following is an entry in ClinVar:

NM_007294.4(BRCA1):c.956A>C (p.Asn319Thr)

Gene: BRCA1 (BRCA1 DNA repair associated; minus strand). Cytogenetic location: 17q21.31.
Variant type: single nucleotide variant.
Coding change: c.956A>C on transcript NM_007294.4 (MANE Select); coding-DNA position 956, A replaced by C.
Protein change: p.Asn319Thr; replaces asparagine 319 with threonine.
Molecular consequence: missense variant. On other transcripts: intron variant (137).
Genome position (GRCh38, 1-based): chr17:43,094,575, T>G on the plus strand (A>C on the coding strand, the complement: BRCA1 is on the minus strand). VCF-style: chr17-43094575-T-G. GRCh37 (hg19) VCF-style: chr17-41246592-T-G.
Other names: c.746A>C, p.Asn249Thr (NM_001407902.1, NM_001407904.1, NM_001407906.1 and 13 more transcripts); c.743A>C, p.Asn248Thr (NM_001407571.1, NM_001407853.1, NM_001407894.1 and 9 more transcripts); c.956A>C, p.Asn319Thr (NM_001407581.1, NM_001407582.1, NM_001407583.1 and 30 more transcripts); c.953A>C, p.Asn318Thr (NM_001407587.1, NM_001407590.1, NM_001407591.1 and 22 more transcripts); c.947A>C, p.Asn316Thr (NM_001407646.1, NM_001407647.1); c.833A>C, p.Asn278Thr (NM_001407648.1, NM_001407664.1, NM_001407665.1 and 19 more transcripts); c.830A>C, p.Asn277Thr (NM_001407649.1, NM_001407670.1, NM_001407671.1 and 11 more transcripts); c.878A>C, p.Asn293Thr (NM_001407653.1, NM_001407654.1, NM_001407655.1 and 4 more transcripts); and 40 more; short protein forms N207T, N230T, N231T, N23T, N249T, N271T, N191T, N192T.
Identifiers: ClinVar variation 1767402 (VCV001767402.7), dbSNP rs397507258, ClinGen allele CA10600153.
Genomic context (GRCh38, chr17:43,094,575, plus strand): 5'-TTTTTTTCTGTGCTGGGAGTCCGCCTATCATTACATGTTTCCTTACTTCCAGCCCATCTG[T>G]TATGTTGGCTCCTTGCTAAGCCAGGCTGTTTGCTTTTATTACAGAATTCAGCCTTTTCTA-3'
Protein context (NP_009225.1, residues 309-329): KQPGLARSQH[Asn319Thr]RWAGSKETCN

ClinVar aggregate classification (germline): Conflicting classifications of pathogenicity. Review status: criteria provided, conflicting classifications (1 of 4 stars). 3 submissions from 3 submitters: Uncertain significance (2); Likely benign (1). Last evaluated 2023-03-23.

Conditions:
Hereditary cancer-predisposing syndrome. Also called: Hereditary Cancer Syndrome; Hereditary neoplastic syndrome; Neoplastic Syndromes, Hereditary; Tumor predisposition. Identifiers: Orphanet 140162, MedGen C0027672, MeSH D009386, MONDO:0015356.
Hereditary breast ovarian cancer syndrome. Also called: Hereditary breast and ovarian cancer; BRCA1- and BRCA2-Associated Hereditary Breast and Ovarian Cancer; Hereditary breast and ovarian cancer syndrome (HBOC); Hereditary breast and ovarian cancer syndrome; Breast and ovarian cancer; Hereditary breast and/or ovarian cancer syndrome. Identifiers: Orphanet 145, MedGen C0677776, MeSH D061325, MONDO:0003582. Disease mechanism: loss of function.

Submissions (3):

University of Washington Department of Laboratory Medicine, University of Washington
Classification: Likely benign for Hereditary cancer-predisposing syndrome. Last evaluated: 2023-03-23. Review status: criteria provided, single submitter. Criteria: Dines et al. (Genet Med. 2020). Collection method: curation. Allele origin: germline.
Comment: Missense variant in a coldspot region where missense variants are very unlikely to be pathogenic (PMID:31911673).

BRCA1 coldspot (exon 11 using historical exon numbering). Reclassification based on statistical prior probability

Labcorp Genetics (formerly Invitae), Labcorp
Classification: Uncertain significance for Hereditary breast ovarian cancer syndrome. Last evaluated: 2023-03-03. Review status: criteria provided, single submitter. Criteria: Invitae Variant Classification Sherloc (09022015). Collection method: clinical testing. Allele origin: germline.
Comment: ClinVar contains an entry for this variant (Variation ID: 1767402). In summary, the available evidence is currently insufficient to determine the role of this variant in disease. Therefore, it has been classified as a Variant of Uncertain Significance. Advanced modeling of protein sequence and biophysical properties (such as structural, functional, and spatial information, amino acid conservation, physicochemical variation, residue mobility, and thermodynamic stability) performed at Invitae indicates that this missense variant is not expected to disrupt BRCA1 protein function. This variant has not been reported in the literature in individuals affected with BRCA1-related conditions. This variant is not present in population databases (gnomAD no frequency). This sequence change replaces asparagine, which is neutral and polar, with threonine, which is neutral and polar, at codon 319 of the BRCA1 protein (p.Asn319Thr).

Ambry Genetics
Classification: Uncertain significance for Hereditary cancer-predisposing syndrome. Last evaluated: 2022-05-01. Review status: criteria provided, single submitter. Criteria: Ambry Variant Classification Scheme 2023. Collection method: clinical testing. Allele origin: germline.
Comment: The p.N319T variant (also known as c.956A>C), located in coding exon 9 of the BRCA1 gene, results from an A to C substitution at nucleotide position 956. The asparagine at codon 319 is replaced by threonine, an amino acid with similar properties. This amino acid position is conserved. In addition, the in silico prediction for this alteration is inconclusive. Since supporting evidence is limited at this time, the clinical significance of this alteration remains unclear.